The following is an entry in ClinVar:

NC_000001.10:g.(?_1447541)_(1447854_1451391)del

Gene: ATAD3A (ATPase family AAA domain containing 3A; plus strand). Cytogenetic location: 1p36.33.
Variant type: Deletion.
Identifiers: ClinVar variation 2682365 (VCV002682365.1).

ClinVar aggregate classification (germline): Pathogenic (1 of 4 stars; one submission).

Conditions:
Harel-Yoon syndrome (HAYOS). Also called: Optic atrophy-peripheral neuropathy-developmental delay syndrome. Identifiers: Orphanet 496790, MedGen C4310677, MONDO:0014958, OMIM 617183.

Submission:

Women's Health and Genetics/Laboratory Corporation of America, LabCorp
Classification: Pathogenic for Harel-Yoon syndrome. Last evaluated: 2023-11-07. Review status: criteria provided, single submitter. Criteria: LabCorp Variant Classification Summary - May 2015. Collection method: clinical testing. Allele origin: germline.
Comment: Variant summary: The variant involves the deletion of exon 1 in the ATAD3A gene. A presumed nomenclature of c.(?_-108)_(205+1_206-1)del has been designated for the purposes of this classification. The exact breakpoint at the 5' end of this variant is unknown, therefore this deletion may extend upstream of the annotated region of this gene. Although the exact breakpoints of this deletion are not known, it is predicted to remove the initiation codon and result in an absence of protein or a truncation of the encoded protein due to translation initiation at a downstream site. The variant was absent in 21690 control chromosomes. To our knowledge, no occurrence of c.(?_-108)_(205+1_206-1)del in individuals affected with Harel-Yoon Syndrome Recessive and no experimental evidence demonstrating its impact on protein function have been reported. No submitters have cited clinical-significance assessments for this variant to ClinVar after 2014. Based on the evidence outlined above, the variant was classified as pathogenic.